The following is an entry in ClinVar:

ClinVar aggregate classification (germline): Pathogenic (1 of 4 stars; one submission).

Submission:

Labcorp Genetics (formerly Invitae), Labcorp
Classification: Pathogenic. Last evaluated: 2022-07-19. Review status: criteria provided, single submitter. Criteria: Invitae Variant Classification Sherloc (09022015). Collection method: clinical testing. Allele origin: germline.
Comment: This sequence change creates a premature translational stop signal (p.Cys26Alafs*52) in the ABCC8 gene. It is expected to result in an absent or disrupted protein product. Loss-of-function variants in ABCC8 are known to be pathogenic (PMID: 20685672, 23345197). For these reasons, this variant has been classified as Pathogenic. ClinVar contains an entry for this variant (Variation ID: 1430334). This variant has not been reported in the literature in individuals affected with ABCC8-related conditions. This variant is not present in population databases (gnomAD no frequency).

Literature cited by the submitters: PubMed 20685672; PubMed 23345197.

NM_000352.6(ABCC8):c.76del (p.Cys26fs)

Gene: ABCC8 (ATP binding cassette subfamily C member 8; minus strand). Cytogenetic location: 11p15.1.
Variant type: Deletion.
Coding change: c.76del on transcript NM_000352.6 (MANE Select); coding-DNA position 76, one base deleted (T; older notation c.76delT).
Protein change: p.Cys26fs; shifts the reading frame from cysteine 26.
Molecular consequence: frameshift variant. On other transcripts: non-coding transcript variant (1).
Genome position (GRCh38, 1-based): chr11:17,476,701, A deleted on the plus strand (T on the coding strand, the reverse complement: ABCC8 is on the minus strand). VCF-style (leftmost placement, unchanged base first): chr11-17476700-CA-C. GRCh37 (hg19) VCF-style: chr11-17498247-CA-C.
Other names: c.76del, p.Cys26fs (NM_001287174.3, NM_001351295.2, NM_001351296.2 and 1 more transcripts); short protein forms C26fs.
Identifiers: ClinVar variation 1430334 (VCV001430334.6), dbSNP rs2133737797, ClinGen allele CA2573146095.
Genomic context (GRCh38, chr11:17,476,700, plus strand): 5'-ATGGGGAAGGTGATGAAGAGTAGGAAGACGTGCGGCACCACGTTGAGCGCGTCCACAAAG[CA>C]GCCGTTGTTGAGGACCCCCTGGTCCACCCGGTAGGCGGCCGAGTGGTTCTCGCTGCCGCA-3'